The following is an entry in ClinVar:

NM_001206927.2(DNAH8):c.9266G>C (p.Gly3089Ala)

Gene: DNAH8 (dynein axonemal heavy chain 8; plus strand). Cytogenetic location: 6p21.2.
Variant type: single nucleotide variant.
Coding change: c.9266G>C on transcript NM_001206927.2 (MANE Select); coding-DNA position 9266, G replaced by C.
Protein change: p.Gly3089Ala; replaces glycine 3089 with alanine.
Molecular consequence: missense variant.
Genome position (GRCh38, 1-based): chr6:38,906,325, G>C. VCF-style: chr6-38906325-G-C. GRCh37 (hg19) VCF-style: chr6-38874101-G-C.
Other names: c.8615G>C, p.Gly2872Ala (NM_001371.4); short protein forms G3089A, G2872A.
Identifiers: ClinVar variation 566887 (VCV000566887.9), dbSNP rs1561844745, ClinGen allele CA364001381.

ClinVar aggregate classification (germline): Uncertain significance (1 of 4 stars; one submission).

Conditions:
Primary ciliary dyskinesia. Also called: Ciliary dyskinesia. Identifiers: Orphanet 244, MedGen C0008780, MONDO:0016575, HP:0012265.

Submission:

Labcorp Genetics (formerly Invitae), Labcorp
Classification: Uncertain significance for Primary ciliary dyskinesia. Last evaluated: 2018-03-17. Review status: criteria provided, single submitter. Criteria: Invitae Variant Classification Sherloc (09022015). Collection method: clinical testing. Allele origin: germline.
Comment: This variant is not present in population databases (ExAC no frequency). This variant has not been reported in the literature in individuals with DNAH8-related disease. Algorithms developed to predict the effect of missense changes on protein structure and function (SIFT, PolyPhen-2, Align-GVGD) all suggest that this variant is likely to be disruptive, but these predictions have not been confirmed by published functional studies and their clinical significance is uncertain. In summary, the available evidence is currently insufficient to determine the role of this variant in disease. Therefore, it has been classified as a Variant of Uncertain Significance. This sequence change replaces glycine with alanine at codon 3089 of the DNAH8 protein (p.Gly3089Ala). The glycine residue is highly conserved and there is a small physicochemical difference between glycine and alanine.